The following is an entry in ClinVar:

ClinVar aggregate classification (germline): Likely benign. Review status: criteria provided, multiple submitters, no conflicts (2 of 4 stars). 3 submissions from 3 submitters: Likely benign (3). Last evaluated 2024-08-20.

Conditions:
Hypertrophic cardiomyopathy. Also called: HYPERTROPHIC MYOCARDIOPATHY. Identifiers: Orphanet 217569, MedGen C0007194, MeSH D002312, MONDO:0005045, HP:0001639.
Cardiomyopathy (CMYO). Also called: Cardiomyopathies. Identifiers: Orphanet 167848, MedGen C0878544, MONDO:0004994, HP:0001638. Inheritance: Various modes of inheritance.

Allele frequency attached by ClinVar (database versions not stated): gnomAD exomes below 0.00001.
gnomAD v4.1: 1 of 1,603,660 alleles (0.000062%); highest among the groups gnomAD compares: Non-Finnish European, 0.000085%; no homozygotes.

Submissions (3):

Labcorp Genetics (formerly Invitae), Labcorp
Classification: Likely benign for Hypertrophic cardiomyopathy. Last evaluated: 2024-08-20. Review status: criteria provided, single submitter. Criteria: Invitae Variant Classification Sherloc (09022015). Collection method: clinical testing. Allele origin: germline.

All of Us Research Program, National Institutes of Health
Classification: Likely benign for Hypertrophic cardiomyopathy. Last evaluated: 2023-10-06. Review status: criteria provided, single submitter. Criteria: ACMG Guidelines, 2015. Collection method: clinical testing. Allele origin: germline. Inheritance: Autosomal dominant inheritance. Observed: 2 variant alleles, 2 heterozygotes.
Comment: This study involves interpretation of variants in research participants for the purpose of population health screening. Participant phenotype was not available at the time of variant classification. Additional details can be found in publication PMID: 35346344, PMCID: PMC8962531

Color Diagnostics, LLC DBA Color Health
Classification: Likely benign for Cardiomyopathy. Last evaluated: 2022-02-07. Review status: criteria provided, single submitter. Criteria: ACMG Guidelines, 2015. Collection method: clinical testing. Allele origin: germline.

NM_000256.3(MYBPC3):c.655-10A>G

Gene: MYBPC3 (myosin binding protein C3; minus strand). Cytogenetic location: 11p11.2.
Variant type: single nucleotide variant.
Coding change: c.655-10A>G on transcript NM_000256.3 (MANE Select); 10 bases into the intron before coding-DNA position 655, A replaced by G.
Molecular consequence: intron variant.
Genome position (GRCh38, 1-based): chr11:47,348,551, T>C on the plus strand (A>G on the coding strand, the complement: MYBPC3 is on the minus strand). VCF-style: chr11-47348551-T-C. GRCh37 (hg19) VCF-style: chr11-47370102-T-C.
Identifiers: ClinVar variation 1936770 (VCV001936770.8), dbSNP rs2095896910, ClinGen allele CA1969341089.